The following is an entry in ClinVar:

NM_000551.4(VHL):c.259G>A (p.Val87Ile)

Gene: VHL (von Hippel-Lindau tumor suppressor; plus strand). Cytogenetic location: 3p25.3.
Variant type: single nucleotide variant.
Coding change: c.259G>A on transcript NM_000551.4 (MANE Select); coding-DNA position 259, G replaced by A.
Protein change: p.Val87Ile; replaces valine 87 with isoleucine.
Molecular consequence: missense variant.
Genome position (GRCh38, 1-based): chr3:10,142,106, G>A. VCF-style: chr3-10142106-G-A. GRCh37 (hg19) VCF-style: chr3-10183790-G-A.
Other names: c.259G>A, p.Val87Ile (NM_198156.3, NM_001354723.2); short protein forms V87I.
Identifiers: ClinVar variation 2418852 (VCV002418852.11), dbSNP rs2125125165, ClinGen allele CA351750641.

ClinVar aggregate classification (germline): Conflicting classifications of pathogenicity. Review status: criteria provided, conflicting classifications (1 of 4 stars). 2 submissions from 2 submitters: Uncertain significance (1); Benign (1). Last evaluated 2025-09-18.

Conditions:
Chuvash polycythemia. Also called: POLYCYTHEMIA, VHL-DEPENDENT. Identifiers: Orphanet 238557, MedGen C1837915, MONDO:0009892, OMIM 263400.
Von Hippel-Lindau syndrome (VHLS). Also called: VHL syndrome; von Hippel–Lindau syndrome; Von Hippel-Lindau. Identifiers: Orphanet 892, MedGen C0019562, MONDO:0008667, OMIM 193300. Disease mechanism: loss of function.
Hereditary cancer-predisposing syndrome. Also called: Hereditary neoplastic syndrome; Tumor predisposition; Neoplastic Syndromes, Hereditary; Hereditary Cancer Syndrome. Identifiers: Orphanet 140162, MedGen C0027672, MeSH D009386, MONDO:0015356.

Allele frequency attached by ClinVar (database versions not stated): gnomAD 0.00001; 1000 Genomes Project 30x 0.00031.

Submissions (2):

Ambry Genetics
Classification: Benign for Hereditary cancer-predisposing syndrome. Last evaluated: 2025-09-18. Review status: criteria provided, single submitter. Criteria: Ambry Variant Classification Scheme 2023. Collection method: clinical testing. Allele origin: germline.

Labcorp Genetics (formerly Invitae), Labcorp
Classification: Uncertain significance for Von Hippel-Lindau syndrome; Chuvash polycythemia. Last evaluated: 2024-01-09. Review status: criteria provided, single submitter. Criteria: Invitae Variant Classification Sherloc (09022015). Collection method: clinical testing. Allele origin: germline.
Comment: This sequence change replaces valine, which is neutral and non-polar, with isoleucine, which is neutral and non-polar, at codon 87 of the VHL protein (p.Val87Ile). This variant is not present in population databases (gnomAD no frequency). This variant has not been reported in the literature in individuals affected with VHL-related conditions. ClinVar contains an entry for this variant (Variation ID: 2418852). Advanced modeling of protein sequence and biophysical properties (such as structural, functional, and spatial information, amino acid conservation, physicochemical variation, residue mobility, and thermodynamic stability) has been performed at Invitae for this missense variant, however the output from this modeling did not meet the statistical confidence thresholds required to predict the impact of this variant on VHL protein function. In summary, the available evidence is currently insufficient to determine the role of this variant in disease. Therefore, it has been classified as a Variant of Uncertain Significance.

Literature cited by the submitters: PubMed 38969834 (cited by Ambry Genetics).